The following is an entry in ClinVar:

NM_000051.4(ATM):c.753del (p.Cys252fs)

Gene: ATM (ATM serine/threonine kinase; plus strand). Cytogenetic location: 11q22.3.
Variant type: Deletion.
Coding change: c.753del on transcript NM_000051.4 (MANE Select); coding-DNA position 753, one base deleted (G; older notation c.753delG).
Protein change: p.Cys252fs; shifts the reading frame from cysteine 252.
Molecular consequence: frameshift variant.
Genome position (GRCh38, 1-based): chr11:108,244,878, G deleted. VCF-style (leftmost placement, unchanged base first): chr11-108244877-TG-T. GRCh37 (hg19) VCF-style: chr11-108115604-TG-T.
Other names: c.753del, p.Cys252fs (NM_001351834.2); short protein forms C252fs.
Identifiers: ClinVar variation 1385300 (VCV001385300.8), dbSNP rs2135239839, ClinGen allele CA2573146465.

ClinVar aggregate classification (germline): Pathogenic. Review status: criteria provided, multiple submitters, no conflicts (2 of 4 stars). 2 submissions from 2 submitters: Pathogenic (2). Last evaluated 2025-09-30.

Conditions:
Hereditary cancer-predisposing syndrome. Also called: Tumor predisposition; Hereditary neoplastic syndrome; Neoplastic Syndromes, Hereditary; Hereditary Cancer Syndrome. Identifiers: Orphanet 140162, MedGen C0027672, MeSH D009386, MONDO:0015356.
Ataxia-telangiectasia syndrome (AT). Also called: Cerebello-oculocutaneous telangiectasia; Immunodeficiency with ataxia telangiectasia; LOUIS-BAR SYNDROME; ATAXIA-TELANGIECTASIA, COMPLEMENTATION GROUP A; ATAXIA-TELANGIECTASIA, FRESNO VARIANT; Ataxia-telangiectasia, complementation group D. Identifiers: Orphanet 100, MedGen C0004135, MONDO:0008840, OMIM 208900.

Submissions (2):

Labcorp Genetics (formerly Invitae), Labcorp
Classification: Pathogenic for Ataxia-telangiectasia syndrome. Last evaluated: 2025-09-30. Review status: criteria provided, single submitter. Criteria: Invitae Variant Classification Sherloc (09022015). Collection method: clinical testing. Allele origin: germline.
Comment: This sequence change creates a premature translational stop signal (p.Cys252Valfs*3) in the ATM gene. It is expected to result in an absent or disrupted protein product. Loss-of-function variants in ATM are known to be pathogenic (PMID: 23807571, 25614872). This variant is not present in population databases (gnomAD no frequency). This variant has not been reported in the literature in individuals affected with ATM-related conditions. ClinVar contains an entry for this variant (Variation ID: 1385300). For these reasons, this variant has been classified as Pathogenic.

Ambry Genetics
Classification: Pathogenic for Hereditary cancer-predisposing syndrome. Last evaluated: 2021-09-13. Review status: criteria provided, single submitter. Criteria: Ambry Variant Classification Scheme 2023. Collection method: clinical testing. Allele origin: germline.
Comment: The c.753delG pathogenic mutation, located in coding exon 6 of the ATM gene, results from a deletion of one nucleotide at nucleotide position 753, causing a translational frameshift with a predicted alternate stop codon (p.C252Vfs*3). This alteration is expected to result in loss of function by premature protein truncation or nonsense-mediated mRNA decay. As such, this alteration is interpreted as a disease-causing mutation.

Literature cited by the submitters: PubMed 23807571 (cited by Labcorp Genetics (formerly Invitae), Labcorp); PubMed 25614872 (cited by Labcorp Genetics (formerly Invitae), Labcorp).